The following is an entry in ClinVar:

ClinVar aggregate classification (germline): Uncertain significance (0 of 4 stars; one submission).

Conditions:
SLC4A3-related disorder. Also called: SLC4A3-related condition.

gnomAD v4.1: 24 of 1,614,164 alleles (0.0015%); highest among the groups gnomAD compares: South Asian, 0.0022%; no homozygotes.

Submission:

PreventionGenetics, part of Exact Sciences
Classification: Uncertain significance for SLC4A3-related condition. Last evaluated: 2024-06-06. Review status: no assertion criteria provided. Collection method: clinical testing. Allele origin: germline.
Comment: The SLC4A3 c.1685G>A variant is predicted to result in the amino acid substitution p.Arg562His. To our knowledge, this variant has not been reported in the literature or in a large population database, indicating this variant is rare. At this time, the clinical significance of this variant is uncertain due to the absence of conclusive functional and genetic evidence.

NM_005070.4(SLC4A3):c.1604G>A (p.Arg535His)

Gene: SLC4A3 (solute carrier family 4 member 3; plus strand). Cytogenetic location: 2q35.
Variant type: single nucleotide variant.
Coding change: c.1604G>A on transcript NM_005070.4 (MANE Select); coding-DNA position 1604, G replaced by A.
Protein change: p.Arg535His; replaces arginine 535 with histidine.
Molecular consequence: missense variant. On other transcripts: non-coding transcript variant (1).
Genome position (GRCh38, 1-based): chr2:219,634,462, G>A. VCF-style: chr2-219634462-G-A. GRCh37 (hg19) VCF-style: chr2-220499184-G-A.
Other names: c.1685G>A, p.Arg562His (NM_001326559.2, NM_201574.3); short protein forms R535H, R562H.
Identifiers: ClinVar variation 3354383 (VCV003354383.1).
Genomic context (GRCh38, chr2:219,634,462, plus strand): 5'-GCTTTCCTCTTCCCCTAGGTTGTGTGCCTTTCTTGGAGCAGCCTGCAGCAGCCTTCGTGC[G>A]TCTGAATGAGGCTGTACTCCTGGAGTCTGTGCTTGAGGTCCCTGTCCCGGTCCGCTTCCT-3'
Protein context (NP_005061.3, residues 525-545): FLEQPAAAFV[Arg535His]LNEAVLLESV